The following is an entry in ClinVar:

ClinVar aggregate classification (germline): Likely benign. Review status: criteria provided, multiple submitters, no conflicts (2 of 4 stars). 2 submissions from 2 submitters: Likely benign (2). Last evaluated 2025-12-01.

Allele frequency attached by ClinVar (database versions not stated): gnomAD exomes 0.00004 and 0.00005; TOPMed 0.00005; ESP Exome Variant Server 0.00015; ExAC 0.00007; gnomAD 0.00007.
gnomAD v4.1: 75 of 1,613,960 alleles (0.0046%); highest among the groups gnomAD compares: Middle Eastern, 0.049%; 1 homozygote.

Submissions (2):

CeGaT Center for Human Genetics Tuebingen
Classification: Likely benign. Last evaluated: 2025-12-01. Review status: criteria provided, single submitter. Criteria: CeGaT Center For Human Genetics Tuebingen Variant Classification Criteria Version 2. Collection method: clinical testing. Allele origin: germline. Affected: yes. Observed: 1 variant allele.
Comment: ZNF335: BP4, BP7

Labcorp Genetics (formerly Invitae), Labcorp
Classification: Likely benign. Last evaluated: 2023-11-06. Review status: criteria provided, single submitter. Criteria: Invitae Variant Classification Sherloc (09022015). Collection method: clinical testing. Allele origin: germline.

NM_022095.4(ZNF335):c.3600C>T (p.Ala1200=)

Gene: ZNF335 (zinc finger protein 335; minus strand). Cytogenetic location: 20q13.12.
Variant type: single nucleotide variant.
Coding change: c.3600C>T on transcript NM_022095.4 (MANE Select); coding-DNA position 3600, C replaced by T.
Protein change: p.Ala1200=; no amino-acid change (alanine 1200 retained).
Molecular consequence: synonymous variant.
Genome position (GRCh38, 1-based): chr20:45,949,869, G>A on the plus strand (C>T on the coding strand, the complement: ZNF335 is on the minus strand). VCF-style: chr20-45949869-G-A. GRCh37 (hg19) VCF-style: chr20-44578508-G-A.
Identifiers: ClinVar variation 757740 (VCV000757740.11), dbSNP rs138802024, ClinGen allele CA9884950.